The following is an entry in ClinVar:

ClinVar aggregate classification (germline): Uncertain significance (1 of 4 stars; one submission).

Conditions:
Neuroblastoma, susceptibility to, 3. Also called: ALK-Related Neuroblastic Tumor Susceptibility. Identifiers: Orphanet 635, MedGen C2751681, MONDO:0013083, OMIM 613014.

Submission:

Labcorp Genetics (formerly Invitae), Labcorp
Classification: Uncertain significance for Neuroblastoma, susceptibility to, 3. Last evaluated: 2022-04-01. Review status: criteria provided, single submitter. Criteria: Invitae Variant Classification Sherloc (09022015). Collection method: clinical testing. Allele origin: germline.
Comment: In summary, the available evidence is currently insufficient to determine the role of this variant in disease. Therefore, it has been classified as a Variant of Uncertain Significance. Experimental studies and prediction algorithms are not available or were not evaluated, and the functional significance of this variant is currently unknown. This variant has not been reported in the literature in individuals affected with ALK-related conditions. This variant results in a copy number gain of the genomic region encompassing exon(s) 2-6 of the ALK gene. While the exact position of this variant cannot be determined from the data, sub-genic copy number gains are generally in tandem (PMID: 25640679). This variant is predicted to be in-frame, and likely preserves the integrity of the reading frame.

Literature cited by the submitters: PubMed 25640679.

NC_000002.11:g.(?_29551196)_(29940583_?)dup

Gene: ALK (ALK receptor tyrosine kinase; minus strand). Cytogenetic location: 2p23.2.
Variant type: Duplication.
Identifiers: ClinVar variation 2425060 (VCV002425060.4).